The following is an entry in ClinVar:

ClinVar aggregate classification (germline): Benign/Likely benign. Review status: criteria provided, multiple submitters, no conflicts (2 of 4 stars). 4 submissions from 2 submitters: Benign (3); Likely benign (1). Last evaluated 2021-05-24.

Conditions:
Pyruvate dehydrogenase E3 deficiency (DLDD). Also called: Lipoamide dehydrogenase deficiency, lactic acidosis due to; Lipoamide dehydrogenase deficiency; Dihydrolipoamide Dehydrogenase (E3) Deficiency; MAPLE SYRUP URINE DISEASE, TYPE III; DLD DEFICIENCY; E3 DEFICIENCY. Identifiers: Orphanet 2394, Orphanet 765, MedGen C5574660, MONDO:0009529, OMIM 246900.
Leigh syndrome (NULS). Also called: Subacute necrotizing encephalopathy; Necrotizing encephalopathy infantile subacute of Leigh; Leigh's syndrome; Leigh Disease; Leigh's necrotizing encephalopathy; Leigh's disease. Identifiers: Orphanet 506, MedGen C2931891, MONDO:0009723, OMIM 256000.
Pyruvate dehydrogenase complex deficiency (PDHC). Also called: Pyruvate dehydrogenase deficiency; Ataxia with lactic acidosis 1; PYRUVATE DECARBOXYLASE DEFICIENCY; PDH DEFICIENCY; Pyruvate Dehydrogenase Complex Deficiency Disease. Identifiers: Orphanet 765, Orphanet 79243, MedGen C0034345, MONDO:0019169.

Allele frequency attached by ClinVar (database versions not stated): gnomAD 0.00921 and 0.00985; TOPMed 0.00983; 1000 Genomes Project 0.01098; 1000 Genomes Project 30x 0.01249.

Submissions (4):

GeneDx
Classification: Likely benign. Last evaluated: 2021-05-24. Review status: criteria provided, single submitter. Criteria: GeneDx Variant Classification Process June 2021. Collection method: clinical testing. Allele origin: germline. Affected: yes.

Illumina Laboratory Services, Illumina
Classification: Benign for Pyruvate dehydrogenase complex deficiency. Last evaluated: 2018-01-13. Review status: criteria provided, single submitter. Criteria: ICSL Variant Classification Criteria 13 December 2019. Collection method: clinical testing. Allele origin: germline.
Comment: This variant was observed in the ICSL laboratory as part of a predisposition screen in an ostensibly healthy population. It had not been previously curated by ICSL or reported in the Human Gene Mutation Database (HGMD: prior to June 1st, 2018), and was therefore a candidate for classification through an automated scoring system. Utilizing variant allele frequency, disease prevalence and penetrance estimates, and inheritance mode, an automated score was calculated to assess if this variant is too frequent to cause the disease. Based on the score and internal cut-off values, a variant classified as benign is not then subjected to further curation. The score for this variant resulted in a classification of benign for this disease.

Illumina Laboratory Services, Illumina
Classification: Benign for Leigh syndrome. Last evaluated: 2018-01-13. Review status: criteria provided, single submitter. Criteria: ICSL Variant Classification Criteria 13 December 2019. Collection method: clinical testing. Allele origin: germline.
Comment: the same text as in the submission from Illumina Laboratory Services, Illumina above.

Illumina Laboratory Services, Illumina
Classification: Benign for Pyruvate dehydrogenase E3 deficiency. Last evaluated: 2018-01-13. Review status: criteria provided, single submitter. Criteria: ICSL Variant Classification Criteria 13 December 2019. Collection method: clinical testing. Allele origin: germline.
Comment: the same text as in the submission from Illumina Laboratory Services, Illumina above.

NM_000108.5(DLD):c.*648G>A

Gene: DLD (dihydrolipoamide dehydrogenase; plus strand). Cytogenetic location: 7q31.1.
Variant type: single nucleotide variant.
Coding change: c.*648G>A on transcript NM_000108.5 (MANE Select); 648 bases downstream of the stop codon, G replaced by A.
Molecular consequence: 3 prime UTR variant.
Genome position (GRCh38, 1-based): chr7:107,919,907, G>A. VCF-style: chr7-107919907-G-A. GRCh37 (hg19) VCF-style: chr7-107560352-G-A.
Other names: c.*648G>A (NM_001289750.1, NM_001289751.1, NM_001289752.1).
Identifiers: ClinVar variation 358581 (VCV000358581.6), dbSNP rs57801571, ClinGen allele CA10625089.